The following is an entry in ClinVar:

NM_002528.7(NTHL1):c.310C>A (p.His104Asn)

Gene: NTHL1 (nth like DNA glycosylase 1; minus strand). Cytogenetic location: 16p13.3.
Variant type: single nucleotide variant.
Coding change: c.310C>A on transcript NM_002528.7 (MANE Select); coding-DNA position 310, C replaced by A.
Protein change: p.His104Asn; replaces histidine 104 with asparagine.
Molecular consequence: missense variant. On other transcripts: intron variant (1).
Genome position (GRCh38, 1-based): chr16:2,046,172, G>T on the plus strand (C>A on the coding strand, the complement: NTHL1 is on the minus strand). VCF-style: chr16-2046172-G-T. GRCh37 (hg19) VCF-style: chr16-2096173-G-T.
Other names: c.310C>A, p.His104Asn (NM_001318193.2); c.24+108C>A (NM_001318194.2); short protein forms H104N.
Identifiers: ClinVar variation 1730496 (VCV001730496.3), dbSNP rs1306653290, ClinGen allele CA394295414.
Genomic context (GRCh38, chr16:2,046,172, plus strand): 5'-TGGGGCCCCTGCCTACCTTTGGGGGGGCACTGGAGTCATAGCAGTGCTCAGTCCCCAGAT[G>T]GTCCACAGGTGCATCCTTTTTGTTCCTCATGGCACGGATGTTGACCAGCTGTTGCTGCCA-3'
Protein context (NP_002519.2, residues 94-114): MRNKKDAPVD[His104Asn]LGTEHCYDSS

ClinVar aggregate classification (germline): Uncertain significance (1 of 4 stars; one submission).

Conditions:
Hereditary cancer-predisposing syndrome. Also called: Neoplastic Syndromes, Hereditary; Tumor predisposition; Hereditary Cancer Syndrome; Hereditary neoplastic syndrome. Identifiers: Orphanet 140162, MedGen C0027672, MeSH D009386, MONDO:0015356.

Submission:

Ambry Genetics
Classification: Uncertain significance for Hereditary cancer-predisposing syndrome. Last evaluated: 2024-12-07. Review status: criteria provided, single submitter. Criteria: Ambry Variant Classification Scheme 2023. Collection method: clinical testing. Allele origin: germline.
Comment: The p.H112N variant (also known as c.334C>A), located in coding exon 2 of the NTHL1 gene, results from a C to A substitution at nucleotide position 334. The histidine at codon 112 is replaced by asparagine, an amino acid with similar properties. This amino acid position is conserved. In addition, this alteration is predicted to be tolerated by in silico analysis. Since supporting evidence is limited at this time, the clinical significance of this alteration remains unclear.